The following is an entry in ClinVar:

NM_001201543.2(FAM161A):c.224dup (p.Pro76fs)

Gene: FAM161A (FAM161 centrosomal protein A; minus strand). Cytogenetic location: 2p15.
Variant type: Duplication.
Coding change: c.224dup on transcript NM_001201543.2 (MANE Select); coding-DNA position 224, one base duplicated (C; older notation c.224dupC).
Protein change: p.Pro76fs; shifts the reading frame from proline 76.
Molecular consequence: frameshift variant. On other transcripts: non-coding transcript variant (1).
Genome position (GRCh38, 1-based): chr2:61,842,320, G duplicated on the plus strand (C on the coding strand, the reverse complement: FAM161A is on the minus strand). VCF-style (leftmost placement, unchanged base first): chr2-61842319-T-TG. GRCh37 (hg19) VCF-style: chr2-62069454-T-TG.
Other names: c.224dup, p.Pro76fs (NM_032180.3); short protein forms P76fs.
Identifiers: ClinVar variation 4814691 (VCV004814691.1).
Genomic context (GRCh38, chr2:61,842,319, plus strand): 5'-ATACTCCTCATTAGAGTGGTGAATATCAGGAAAGTTCACAAAGTCCTCATAGCTTATCGG[T>TG]GCATGTTCATCCACCCCAGAAAAGCTGGTGTTCAAATCAGCCTGGTGGGGAGAAAACACT-3'

ClinVar aggregate classification (germline): Likely pathogenic (1 of 4 stars; one submission).

Conditions:
Retinitis pigmentosa 28 (RP28). Identifiers: Orphanet 791, MedGen C1419614, MONDO:0011630, OMIM 606068.

Submission:

Natera, Inc.
Classification: Likely pathogenic for Retinitis pigmentosa type 28. Last evaluated: 2024-11-06. Review status: criteria provided, single submitter. Criteria: Natera Variant Classification Schema (03/2026). Collection method: clinical testing. Allele origin: germline.
Comment: The c.224dup variant in FAM161A is a frameshift variant predicted to shift the reading frame beginning at codon 76 and leads to a stop codon 5 codons downstream. This variant is expected to result in nonsense mediated decay, truncation, or a dysfunctional protein product. This variant is rare in the general population with a frequency below the threshold expected for the associated phenotype(s). Given the available evidence, this variant is classified as Likely Pathogenic.